The following is an entry in ClinVar:

NM_004928.3(CFAP410):c.673C>T (p.Arg225Trp)

Gene: CFAP410 (cilia and flagella associated protein 410; minus strand). Cytogenetic location: 21q22.3.
Variant type: single nucleotide variant.
Coding change: c.673C>T on transcript NM_004928.3 (MANE Select); coding-DNA position 673, C replaced by T.
Protein change: p.Arg225Trp; replaces arginine 225 with tryptophan.
Molecular consequence: missense variant.
Genome position (GRCh38, 1-based): chr21:44,330,296, G>A on the plus strand (C>T on the coding strand, the complement: CFAP410 is on the minus strand). VCF-style: chr21-44330296-G-A. GRCh37 (hg19) VCF-style: chr21-45750179-G-A.
Other names: c.670C>T, p.Arg224Trp (NM_001271440.2); c.1030C>T, p.Arg344Trp (NM_001271441.2); c.547C>T, p.Arg183Trp (NM_001271442.1); short protein forms R183W, R224W, R225W, R344W.
Identifiers: ClinVar variation 1051834 (VCV001051834.7), dbSNP rs757586462, ClinGen allele CA10053492.

ClinVar aggregate classification (germline): Uncertain significance. Review status: criteria provided, multiple submitters, no conflicts (2 of 4 stars). 2 submissions from 2 submitters: Uncertain significance (2). Last evaluated 2023-10-03.

Allele frequency attached by ClinVar (database versions not stated): gnomAD 0.00003; TOPMed 0.00007; gnomAD exomes 0.00009 and 0.00012; ExAC 0.00012.
gnomAD v4.1: 134 of 1,604,414 alleles (0.0084%); highest among the groups gnomAD compares: East Asian, 0.074%; no homozygotes.

Submissions (2):

Labcorp Genetics (formerly Invitae), Labcorp
Classification: Uncertain significance. Last evaluated: 2023-10-03. Review status: criteria provided, single submitter. Criteria: Invitae Variant Classification Sherloc (09022015). Collection method: clinical testing. Allele origin: germline.
Comment: This sequence change replaces arginine, which is basic and polar, with tryptophan, which is neutral and slightly polar, at codon 225 of the CFAP410 protein (p.Arg225Trp). This variant is present in population databases (rs757586462, gnomAD 0.09%). This variant has not been reported in the literature in individuals affected with CFAP410-related conditions. ClinVar contains an entry for this variant (Variation ID: 1051834). An algorithm developed to predict the effect of missense changes on protein structure and function (PolyPhen-2) suggests that this variant is likely to be disruptive. In summary, the available evidence is currently insufficient to determine the role of this variant in disease. Therefore, it has been classified as a Variant of Uncertain Significance.

Blueprint Genetics
Classification: Uncertain significance. Last evaluated: 2023-06-27. Review status: criteria provided, single submitter. Criteria: ACMG Guidelines, 2015. Collection method: clinical testing. Allele origin: germline.